The following is an entry in ClinVar:

NM_001005242.3(PKP2):c.2066_2071delinsG (p.His689fs)

Gene: PKP2 (plakophilin 2; minus strand). Cytogenetic location: 12p11.21.
Variant type: Indel.
Coding change: c.2066_2071delinsG on transcript NM_001005242.3 (MANE Select); coding-DNA positions 2066 to 2071, ACACCC replaced by G.
Protein change: p.His689fs; shifts the reading frame from histidine 689.
Molecular consequence: frameshift variant.
Genome position (GRCh38, 1-based): chr12:32,802,499-32,802,504, GGGTGT replaced by C on the plus strand (ACACCC replaced by G on the coding strand, the reverse complement: PKP2 is on the minus strand). VCF-style: chr12-32802499-GGGTGT-C. GRCh37 (hg19) VCF-style: chr12-32955433-GGGTGT-C.
Other names: c.2198_2203delinsG, p.His733fs (NM_004572.4); short protein forms H689fs, H733fs.
Identifiers: ClinVar variation 239956 (VCV000239956.3), dbSNP rs878854710, ClinGen allele CA10583044.
Genomic context (GRCh38, chr12:32,802,499, plus strand): 5'-TCCTCAGCAGCGAGATGGCTGTCTTTTTCACACTTGGGTCACCAACATGCAGCATCTTTC[GGGTGT>C]GCTGCAGGCCACTTTCCTTCTGGACAACTGTCTGAGCCACTGATGTCGGCATCTGTTTTG-3'

ClinVar aggregate classification (germline): Pathogenic (1 of 4 stars; one submission).

Conditions:
Arrhythmogenic right ventricular dysplasia 9 (ARVD9). Also called: ARRHYTHMOGENIC RIGHT VENTRICULAR DYSPLASIA, FAMILIAL, 9; Arrhythmogenic Right Ventricular Dysplasia/Cardiomyopathy 9. Identifiers: MedGen C1836906, MONDO:0012180, OMIM 609040.

Submission:

Labcorp Genetics (formerly Invitae), Labcorp
Classification: Pathogenic for Arrhythmogenic right ventricular dysplasia 9. Last evaluated: 2016-03-27. Review status: criteria provided, single submitter. Criteria: Invitae Variant Classification Sherloc (09022015). Collection method: clinical testing. Allele origin: germline.
Comment: For these reasons, this variant has been classified as Pathogenic. While this particular variant has not been reported in the literature, truncating variants in PKP2 are known to be pathogenic (PMID: 15489853). This sequence change deletes 6 nucleotides and inserts 1 nucleotide in exon 11 of the PKP2 mRNA (c.2198_2203delinsG), causing a frameshift at codon 733. This creates a premature translational stop signal (p.His733Profs*8) and is expected to result in an absent or disrupted protein product.

Literature cited by the submitters: PubMed 15489853.